The following is an entry in ClinVar:

NM_144773.4(PROKR2):c.1005G>A (p.Thr335=)

Gene: PROKR2 (prokineticin receptor 2; minus strand). Cytogenetic location: 20p12.3.
Variant type: single nucleotide variant.
Coding change: c.1005G>A on transcript NM_144773.4 (MANE Select); coding-DNA position 1005, G replaced by A.
Protein change: p.Thr335=; no amino-acid change (threonine 335 retained).
Molecular consequence: synonymous variant.
Genome position (GRCh38, 1-based): chr20:5,302,190, C>T on the plus strand (G>A on the coding strand, the complement: PROKR2 is on the minus strand). VCF-style: chr20-5302190-C-T. GRCh37 (hg19) VCF-style: chr20-5282836-C-T.
Other names: c.1005G>A (NM_144773.3).
Identifiers: ClinVar variation 338853 (VCV000338853.28), dbSNP rs150381386, ClinGen allele CA9754223.

ClinVar aggregate classification (germline): Benign/Likely benign. Review status: criteria provided, multiple submitters, no conflicts (2 of 4 stars). 4 submissions from 4 submitters: Benign (2); Likely benign (1). 1 of the submissions does not count toward it. Last evaluated 2025-09-03.

Conditions:
PROKR2-related disorder. Also called: PROKR2-related condition.
Hypogonadotropic hypogonadism 3 with or without anosmia (HH3). Also called: PROKR2-Related GnRH Deficiency (Kallmann Syndrome 3); HYPOGONADOTROPIC HYPOGONADISM 3 WITH ANOSMIA. Identifiers: Orphanet 478, MedGen C3550478, MONDO:0009482, OMIM 244200.

Allele frequency attached by ClinVar (database versions not stated): gnomAD exomes 0.00052; ExAC 0.00074; gnomAD 0.00181 and 0.00190; TOPMed 0.00195; ESP Exome Variant Server 0.00246; 1000 Genomes Project 0.00319; 1000 Genomes Project 30x 0.00328.
gnomAD v4.1: 657 of 1,614,170 alleles (0.041%); highest among the groups gnomAD compares: African/African-American, 0.55%; no homozygotes.

Submissions (4):

Labcorp Genetics (formerly Invitae), Labcorp
Classification: Benign. Last evaluated: 2025-09-03. Review status: criteria provided, single submitter. Criteria: Invitae Variant Classification Sherloc (09022015). Collection method: clinical testing. Allele origin: germline.

CeGaT Center for Human Genetics Tuebingen
Classification: Likely benign. Last evaluated: 2025-02-01. Review status: criteria provided, single submitter. Criteria: CeGaT Center For Human Genetics Tuebingen Variant Classification Criteria Version 2. Collection method: clinical testing. Allele origin: germline. Affected: yes. Observed: 2 variant alleles.
Comment: PROKR2: BP4, BP7

Illumina Laboratory Services, Illumina
Classification: Benign for Hypogonadotropic hypogonadism 3 with or without anosmia. Last evaluated: 2018-01-12. Review status: criteria provided, single submitter. Criteria: ICSL Variant Classification Criteria 13 December 2019. Collection method: clinical testing. Allele origin: germline.
Comment: This variant was observed in the ICSL laboratory as part of a predisposition screen in an ostensibly healthy population. It had not been previously curated by ICSL or reported in the Human Gene Mutation Database (HGMD: prior to June 1st, 2018), and was therefore a candidate for classification through an automated scoring system. Utilizing variant allele frequency, disease prevalence and penetrance estimates, and inheritance mode, an automated score was calculated to assess if this variant is too frequent to cause the disease. Based on the score and internal cut-off values, a variant classified as benign is not then subjected to further curation. The score for this variant resulted in a classification of benign for this disease.

PreventionGenetics, part of Exact Sciences
Classification: Likely benign for PROKR2-related condition. Last evaluated: 2023-12-27. Review status: no assertion criteria provided. Collection method: clinical testing. Allele origin: germline. Not counted in ClinVar's aggregate classification.
Comment: This variant is classified as likely benign based on ACMG/AMP sequence variant interpretation guidelines (Richards et al. 2015 PMID: 25741868, with internal and published modifications).